The following is an entry in ClinVar:

ClinVar aggregate classification (germline): Uncertain significance (1 of 4 stars; one submission).

Conditions:
Colorectal cancer, hereditary nonpolyposis, type 7. Identifiers: Orphanet 144, MedGen C1858380, MONDO:0013725, OMIM 614385.

Submission:

Labcorp Genetics (formerly Invitae), Labcorp
Classification: Uncertain significance for Colorectal cancer, hereditary nonpolyposis, type 7. Last evaluated: 2026-01-27. Review status: criteria provided, single submitter. Criteria: Invitae Variant Classification Sherloc (09022015). Collection method: clinical testing. Allele origin: germline.
Comment: This sequence change replaces alanine, which is neutral and non-polar, with threonine, which is neutral and polar, at codon 659 of the MLH3 protein (p.Ala659Thr). This variant is not present in population databases (gnomAD no frequency). This variant has not been reported in the literature in individuals affected with MLH3-related conditions. An algorithm developed to predict the effect of missense changes on protein structure and function outputs the following: PolyPhen-2: "Benign". The threonine amino acid residue is found in multiple mammalian species, which suggests that this missense change does not adversely affect protein function. In summary, the available evidence is currently insufficient to determine the role of this variant in disease. Therefore, it has been classified as a Variant of Uncertain Significance.

NM_001040108.2(MLH3):c.1975G>A (p.Ala659Thr)

Gene: MLH3 (mutL homolog 3; minus strand). Cytogenetic location: 14q24.3.
Variant type: single nucleotide variant.
Coding change: c.1975G>A on transcript NM_001040108.2 (MANE Select); coding-DNA position 1975, G replaced by A.
Protein change: p.Ala659Thr; replaces alanine 659 with threonine.
Molecular consequence: missense variant.
Genome position (GRCh38, 1-based): chr14:75,047,681, C>T on the plus strand (G>A on the coding strand, the complement: MLH3 is on the minus strand). VCF-style: chr14-75047681-C-T. GRCh37 (hg19) VCF-style: chr14-75514384-C-T.
Other names: c.1975G>A, p.Ala659Thr (NM_014381.3); short protein forms A659T.
Identifiers: ClinVar variation 4770053 (VCV004770053.1).